The following is an entry in ClinVar:

NM_020778.5(ALPK3):c.3682C>G (p.Arg1228Gly)

Gene: ALPK3 (alpha kinase 3; plus strand). Cytogenetic location: 15q25.3.
Variant type: single nucleotide variant.
Coding change: c.3682C>G on transcript NM_020778.5 (MANE Select); coding-DNA position 3682, C replaced by G.
Protein change: p.Arg1228Gly; replaces arginine 1228 with glycine.
Molecular consequence: missense variant.
Genome position (GRCh38, 1-based): chr15:84,858,420, C>G. VCF-style: chr15-84858420-C-G. GRCh37 (hg19) VCF-style: chr15-85401651-C-G.
Other names: short protein forms R1228G.
Identifiers: ClinVar variation 1471021 (VCV001471021.12), dbSNP rs537104966, ClinGen allele CA273625848.

ClinVar aggregate classification (germline): Conflicting classifications of pathogenicity. Review status: criteria provided, conflicting classifications (1 of 4 stars). 5 submissions from 5 submitters: Uncertain significance (3); Likely benign (2). Last evaluated 2026-02-03.

Conditions:
ALPK3-related disorder. Also called: ALPK3-related condition.
Cardiomyopathy, familial hypertrophic 27. Identifiers: MedGen C4748014, MONDO:0054838, OMIM 618052.
Cardiovascular phenotype. Identifiers: MedGen CN230736.

gnomAD v4.1: 34 of 1,559,892 alleles (0.0022%); highest among the groups gnomAD compares: Middle Eastern, 0.017%; no homozygotes.

Submissions (5):

PreventionGenetics, part of Exact Sciences
Classification: Uncertain significance for ALPK3-related condition. Last evaluated: 2026-02-03. Review status: criteria provided, single submitter. Criteria: ACMG Guidelines, 2015. Collection method: clinical testing. Allele origin: germline.
Comment: The ALPK3 c.4288C>G variant is predicted to result in the amino acid substitution p.Arg1430Gly. To our knowledge, this variant has not been reported in the literature. This variant is reported in 0.0075% of alleles in individuals of Latino descent in gnomAD. At this time, the clinical significance of this variant is uncertain due to the absence of conclusive functional and genetic evidence.

Labcorp Genetics (formerly Invitae), Labcorp
Classification: Uncertain significance. Last evaluated: 2024-11-04. Review status: criteria provided, single submitter. Criteria: Invitae Variant Classification Sherloc (09022015). Collection method: clinical testing. Allele origin: germline.
Comment: This sequence change replaces arginine, which is basic and polar, with glycine, which is neutral and non-polar, at codon 1430 of the ALPK3 protein (p.Arg1430Gly). This variant is present in population databases (no rsID available, gnomAD 0.008%). This variant has not been reported in the literature in individuals affected with ALPK3-related conditions. ClinVar contains an entry for this variant (Variation ID: 1471021). Invitae Evidence Modeling of protein sequence and biophysical properties (such as structural, functional, and spatial information, amino acid conservation, physicochemical variation, residue mobility, and thermodynamic stability) indicates that this missense variant is not expected to disrupt ALPK3 protein function with a negative predictive value of 80%. In summary, the available evidence is currently insufficient to determine the role of this variant in disease. Therefore, it has been classified as a Variant of Uncertain Significance.

Fulgent Genetics
Classification: Uncertain significance for Cardiomyopathy, familial hypertrophic 27. Last evaluated: 2024-06-12. Review status: criteria provided, single submitter. Criteria: ACMG Guidelines, 2015. Collection method: clinical testing. Allele origin: germline.

Ambry Genetics
Classification: Likely benign for Cardiovascular phenotype. Last evaluated: 2024-04-21. Review status: criteria provided, single submitter. Criteria: Ambry Variant Classification Scheme 2023. Collection method: clinical testing. Allele origin: germline.

Blueprint Genetics
Classification: Likely benign. Last evaluated: 2023-02-28. Review status: criteria provided, single submitter. Criteria: ACMG Guidelines, 2015. Collection method: clinical testing. Allele origin: germline.